The following is an entry in ClinVar:

NM_001136035.4(TRMT1):c.1073G>A (p.Arg358His)

Gene: TRMT1 (tRNA methyltransferase 1; minus strand). Cytogenetic location: 19p13.13.
Variant type: single nucleotide variant.
Coding change: c.1073G>A on transcript NM_001136035.4 (MANE Select); coding-DNA position 1073, G replaced by A.
Protein change: p.Arg358His; replaces arginine 358 with histidine.
Molecular consequence: missense variant. On other transcripts: intron variant (2).
Genome position (GRCh38, 1-based): chr19:13,109,948, C>T on the plus strand (G>A on the coding strand, the complement: TRMT1 is on the minus strand). VCF-style: chr19-13109948-C-T. GRCh37 (hg19) VCF-style: chr19-13220762-C-T.
Other names: c.965G>A, p.Arg322His (NM_001351761.2); c.290G>A, p.Arg97His (NM_001351762.2); c.1073G>A, p.Arg358His (NM_017722.5); c.1020-110G>A (NM_001351760.2, NM_001142554.3); c.1073G>A (NM_001136035.2); short protein forms R358H, R97H, R322H.
Identifiers: ClinVar variation 3973908 (VCV003973908.2).

ClinVar aggregate classification (germline): Uncertain significance. Review status: criteria provided, multiple submitters, no conflicts (2 of 4 stars). 2 submissions from 2 submitters: Uncertain significance (2). Last evaluated 2025-06-03.

Conditions:
Inborn genetic diseases. Identifiers: MedGen C0950123, MeSH D030342.

gnomAD v4.1: 49 of 1,613,950 alleles (0.003%); highest among the groups gnomAD compares: East Asian, 0.053%; no homozygotes.

Submissions (2):

Ambry Genetics
Classification: Uncertain significance for Inborn genetic diseases. Last evaluated: 2025-06-03. Review status: criteria provided, single submitter. Criteria: Ambry Variant Classification Scheme 2023. Collection method: clinical testing. Allele origin: germline.

GeneDx
Classification: Uncertain significance. Last evaluated: 2025-01-26. Review status: criteria provided, single submitter. Criteria: GeneDx Variant Classification Process June 2021. Collection method: clinical testing. Allele origin: germline. Affected: yes.
Comment: In silico analysis indicates that this missense variant does not alter protein structure/function; Has not been previously published as pathogenic or benign to our knowledge